The following is an entry in ClinVar:

ClinVar aggregate classification (germline): Uncertain significance. Review status: criteria provided, multiple submitters, no conflicts (2 of 4 stars). 2 submissions from 2 submitters: Uncertain significance (2). Last evaluated 2023-02-19.

Conditions:
Cardiovascular phenotype. Identifiers: MedGen CN230736.
Brugada syndrome. Also called: Sudden Unexplained Death Syndrome; Sudden Unexplained Nocturnal Death Syndrome (SUNDS); Sudden unexpected nocturnal death syndrome; Sudden unexplained nocturnal death syndrome. Identifiers: Orphanet 130, MedGen C1142166, MONDO:0015263.

Allele frequency attached by ClinVar (database versions not stated): gnomAD 0.00001; gnomAD exomes 0.00001; TOPMed 0.00001.
gnomAD v4.1: 13 of 1,614,110 alleles (0.00081%); highest among the groups gnomAD compares: Non-Finnish European, 0.0011%; no homozygotes.

Submissions (2):

Ambry Genetics
Classification: Uncertain significance for Cardiovascular phenotype. Last evaluated: 2023-02-19. Review status: criteria provided, single submitter. Criteria: Ambry Variant Classification Scheme 2023. Collection method: clinical testing. Allele origin: germline.
Comment: The p.F1295S variant (also known as c.3884T>C), located in coding exon 22 of the SCN10A gene, results from a T to C substitution at nucleotide position 3884. The phenylalanine at codon 1295 is replaced by serine, an amino acid with highly dissimilar properties. This amino acid position is highly conserved in available vertebrate species. In addition, this alteration is predicted to be deleterious by in silico analysis. Since supporting evidence is limited at this time, the clinical significance of this alteration remains unclear.

Labcorp Genetics (formerly Invitae), Labcorp
Classification: Uncertain significance for Brugada syndrome. Last evaluated: 2022-07-21. Review status: criteria provided, single submitter. Criteria: Invitae Variant Classification Sherloc (09022015). Collection method: clinical testing. Allele origin: germline.
Comment: This variant is present in population databases (no rsID available, gnomAD 0.002%). This sequence change replaces phenylalanine, which is neutral and non-polar, with serine, which is neutral and polar, at codon 1295 of the SCN10A protein (p.Phe1295Ser). In summary, the available evidence is currently insufficient to determine the role of this variant in disease. Therefore, it has been classified as a Variant of Uncertain Significance. Advanced modeling of protein sequence and biophysical properties (such as structural, functional, and spatial information, amino acid conservation, physicochemical variation, residue mobility, and thermodynamic stability) performed at Invitae indicates that this missense variant is expected to disrupt SCN10A protein function. This variant has not been reported in the literature in individuals affected with SCN10A-related conditions.

NM_006514.4(SCN10A):c.3884T>C (p.Phe1295Ser)

Gene: SCN10A (sodium voltage-gated channel alpha subunit 10; minus strand). Cytogenetic location: 3p22.2.
Variant type: single nucleotide variant.
Coding change: c.3884T>C on transcript NM_006514.4 (MANE Select); coding-DNA position 3884, T replaced by C.
Protein change: p.Phe1295Ser; replaces phenylalanine 1295 with serine.
Molecular consequence: missense variant.
Genome position (GRCh38, 1-based): chr3:38,712,366, A>G on the plus strand (T>C on the coding strand, the complement: SCN10A is on the minus strand). VCF-style: chr3-38712366-A-G. GRCh37 (hg19) VCF-style: chr3-38753857-A-G.
Other names: c.3881T>C, p.Phe1294Ser (NM_001293306.2); c.3590T>C, p.Phe1197Ser (NM_001293307.2); short protein forms F1295S, F1197S, F1294S.
Identifiers: ClinVar variation 1735833 (VCV001735833.8), dbSNP rs1380029472, ClinGen allele CA352151249.